The following is an entry in ClinVar:

ClinVar aggregate classification (germline): Likely benign. Review status: criteria provided, multiple submitters, no conflicts (2 of 4 stars). 2 submissions from 2 submitters: Likely benign (2). Last evaluated 2026-05-29.

Conditions:
OSBPL2-related disorder. Also called: OSBPL2-related condition.

gnomAD v4.1: 137 of 1,613,644 alleles (0.0085%); highest among the groups gnomAD compares: African/African-American, 0.017%; no homozygotes.

Submissions (2):

PreventionGenetics, part of Exact Sciences
Classification: Likely benign for OSBPL2-related condition. Last evaluated: 2026-05-29. Review status: criteria provided, single submitter. Criteria: ACMG Guidelines, 2015. Collection method: clinical testing. Allele origin: germline.
Comment: This variant is classified as likely benign based on ACMG/AMP sequence variant interpretation guidelines (Richards et al. 2015 PMID: 25741868, with internal and published modifications).

Labcorp Genetics (formerly Invitae), Labcorp
Classification: Likely benign. Last evaluated: 2025-12-15. Review status: criteria provided, single submitter. Criteria: Invitae Variant Classification Sherloc (09022015). Collection method: clinical testing. Allele origin: germline.

NM_144498.4(OSBPL2):c.339C>T (p.His113=)

Gene: OSBPL2 (oxysterol binding protein like 2; plus strand). Cytogenetic location: 20q13.33.
Variant type: single nucleotide variant.
Coding change: c.339C>T on transcript NM_144498.4 (MANE Select); coding-DNA position 339, C replaced by T.
Protein change: p.His113=; no amino-acid change (histidine 113 retained).
Molecular consequence: synonymous variant.
Genome position (GRCh38, 1-based): chr20:62,272,205, C>T. VCF-style: chr20-62272205-C-T. GRCh37 (hg19) VCF-style: chr20-60847261-C-T.
Other names: c.339C>T (NM_144498.2); c.63C>T, p.His21= (NM_001278649.3, NM_001363878.2); c.303C>T, p.His101= (NM_014835.5).
Identifiers: ClinVar variation 4726709 (VCV004726709.2).